The following is an entry in ClinVar:

ClinVar aggregate classification (germline): Likely benign (1 of 4 stars; one submission).

gnomAD v4.1: 12 of 1,608,772 alleles (0.00075%); highest among the groups gnomAD compares: Non-Finnish European, 0.00093%; no homozygotes.

Submission:

CeGaT Center for Human Genetics Tuebingen
Classification: Likely benign. Last evaluated: 2025-03-01. Review status: criteria provided, single submitter. Criteria: CeGaT Center For Human Genetics Tuebingen Variant Classification Criteria Version 2. Collection method: clinical testing. Allele origin: germline. Affected: yes. Observed: 1 variant allele.
Comment: TTN: BP4, BP7

NM_001267550.2(TTN):c.89637T>C (p.Asn29879=)

Genes: TTN (titin; minus strand), TTN-AS1 (TTN antisense RNA 1; plus strand). Cytogenetic location: 2q31.2.
Variant type: single nucleotide variant.
Coding change: c.89637T>C on transcript NM_001267550.2 (MANE Select); coding-DNA position 89637, T replaced by C.
Protein change: p.Asn29879=; no amino-acid change (asparagine 29879 retained).
Molecular consequence: synonymous variant.
Genome position (GRCh38, 1-based): chr2:178,553,263, A>G on the plus strand (T>C on the coding strand, the complement: TTN is on the minus strand). VCF-style: chr2-178553263-A-G. GRCh37 (hg19) VCF-style: chr2-179417990-A-G.
Other names: c.84714T>C, p.Asn28238= (NM_001256850.1); c.62442T>C, p.Asn20814= (NM_003319.4); c.81933T>C, p.Asn27311= (NM_133378.4); c.62817T>C, p.Asn20939= (NM_133432.3); c.63018T>C, p.Asn21006= (NM_133437.4).
Identifiers: ClinVar variation 3778295 (VCV003778295.7).